The following is an entry in ClinVar:

NM_000051.4(ATM):c.9086del (p.Gly3029fs)

Genes: ATM (ATM serine/threonine kinase; plus strand), C11orf65 (chromosome 11 open reading frame 65; minus strand). Cytogenetic location: 11q22.3.
Variant type: Deletion.
Coding change: c.9086del on transcript NM_000051.4 (MANE Select); coding-DNA position 9086, one base deleted (G; older notation c.9086delG).
Protein change: p.Gly3029fs; shifts the reading frame from glycine 3029.
Molecular consequence: frameshift variant. On other transcripts: intron variant (2).
Genome position (GRCh38, 1-based): chr11:108,365,423, G deleted; the last of 2 consecutive G bases (chr11:108,365,422-108,365,423); deleting either gives the same sequence. VCF-style (leftmost placement, unchanged base first): chr11-108365421-TG-T. GRCh37 (hg19) VCF-style: chr11-108236148-TG-T.
Other names: c.9086del, p.Gly3029fs (NM_001351834.2); c.640+20498del (NM_001330368.2); c.694+20498del (NM_001351110.2); short protein forms G3029fs.
Identifiers: ClinVar variation 5042624 (VCV005042624.1).

ClinVar aggregate classification (germline): Likely pathogenic (1 of 4 stars; one submission).

Conditions:
ATM-related cancer predisposition. Also called: ATM-related cancer susceptibility. Identifiers: MedGen CN377759, MONDO:0700270.

Submission:

Hema, HEMA – Genetic and Molecular Diagnostic Laboratory
Classification: Likely pathogenic for ATM-related cancer predisposition. Last evaluated: 2026-07-16. Review status: criteria provided, single submitter. Criteria: HEMA Variant Classification Assertion Criteria. Collection method: clinical testing. Allele origin: germline.
Comment: The c.9086del p.(Gly3029Valfs*4) variant is a nucleotide deletion that results in a frameshift in the ATM protein. PVS1: Null variant (frameshift variant) in a gene for which loss of function is a known disease mechanism. Although this variant is located in the last exon and the resulting transcript is not predicted to be degraded by nonsense-mediated decay (NMD), the frameshift affects and truncates a critical functional domain of the protein (FATKIN domain). PM2_Supporting: Absent in the gnomAD v4.1.1 database.